The following is an entry in ClinVar:

ClinVar aggregate classification (germline): Uncertain significance (1 of 4 stars; one submission).

Submission:

GeneDx
Classification: Uncertain significance. Last evaluated: 2024-04-19. Review status: criteria provided, single submitter. Criteria: GeneDx Variant Classification Process June 2021. Collection method: clinical testing. Allele origin: germline. Affected: yes.
Comment: Not observed at significant frequency in large population cohorts (gnomAD); Has not been previously published as pathogenic or benign to our knowledge; Nonsense variant predicted to result in protein truncation or nonsense mediated decay in a gene for which loss-of-function is not a known mechanism of disease

NM_001330311.2(DVL1):c.1359G>A (p.Trp453Ter)

Gene: DVL1 (dishevelled segment polarity protein 1; minus strand). Cytogenetic location: 1p36.33.
Variant type: single nucleotide variant.
Coding change: c.1359G>A on transcript NM_001330311.2 (MANE Select); coding-DNA position 1359, G replaced by A.
Protein change: p.Trp453Ter; replaces tryptophan 453 with a stop codon.
Molecular consequence: nonsense.
Genome position (GRCh38, 1-based): chr1:1,338,417, C>T on the plus strand (G>A on the coding strand, the complement: DVL1 is on the minus strand). VCF-style: chr1-1338417-C-T. GRCh37 (hg19) VCF-style: chr1-1273797-C-T.
Other names: c.1284G>A, p.Trp428Ter (NM_004421.3); short protein forms W428*, W453*.
Identifiers: ClinVar variation 3365784 (VCV003365784.1).